The following is an entry in ClinVar:

ClinVar aggregate classification (germline): Uncertain significance (1 of 4 stars; one submission).

Conditions:
Primary dilated cardiomyopathy (DCM). Also called: Dilated Cardiomyopathy. Identifiers: Orphanet 217604, MedGen C0007193, MeSH D002311, MONDO:0005021, HP:0001644. Inheritance: Various modes of inheritance.
Hypertrophic cardiomyopathy. Also called: HYPERTROPHIC MYOCARDIOPATHY. Identifiers: Orphanet 217569, MedGen C0007194, MeSH D002312, MONDO:0005045, HP:0001639.

Submission:

Labcorp Genetics (formerly Invitae), Labcorp
Classification: Uncertain significance for Hypertrophic cardiomyopathy; Primary dilated cardiomyopathy. Last evaluated: 2018-03-07. Review status: criteria provided, single submitter. Criteria: Invitae Variant Classification Sherloc (09022015). Collection method: clinical testing. Allele origin: germline.
Comment: In summary, the available evidence is currently insufficient to determine the role of this variant in disease. Therefore, it has been classified as a Variant of Uncertain Significance. The current clinical and genetic evidence is not sufficient to establish whether loss-of-function variants in PDLIM3 cause disease. This variant has not been reported in the literature in individuals with PDLIM3-related disease. This variant is not present in population databases (ExAC no frequency). This sequence change creates a premature translational stop signal (p.Glu106Aspfs*22) in the PDLIM3 gene. It is expected to result in an absent or disrupted protein product.

NM_014476.6(PDLIM3):c.318del (p.Glu106fs)

Gene: PDLIM3 (PDZ and LIM domain 3; minus strand). Cytogenetic location: 4q35.1.
Variant type: Deletion.
Coding change: c.318del on transcript NM_014476.6 (MANE Select); coding-DNA position 318, one base deleted (A; older notation c.318delA).
Protein change: p.Glu106fs; shifts the reading frame from glutamic acid 106.
Molecular consequence: frameshift variant. On other transcripts: non-coding transcript variant (1), intron variant (1).
Genome position (GRCh38, 1-based): chr4:185,523,374, T deleted on the plus strand (A on the coding strand, the reverse complement: PDLIM3 is on the minus strand); the first of 2 consecutive T bases (chr4:185,523,374-185,523,375); deleting either gives the same sequence. VCF-style (leftmost placement, unchanged base first): chr4-185523373-AT-A. GRCh37 (hg19) VCF-style: chr4-186444527-AT-A.
Other names: c.318del, p.Glu106fs (NM_001114107.5, NM_001257962.2); c.94-9037del (NM_001257963.2); short protein forms E106fs.
Identifiers: ClinVar variation 1000371 (VCV001000371.7), dbSNP rs2095726024, ClinGen allele CA1519583103.